The following is an entry in ClinVar:

ClinVar aggregate classification (germline): Likely benign. Review status: criteria provided, multiple submitters, no conflicts (2 of 4 stars). 2 submissions from 2 submitters: Likely benign (2). Last evaluated 2024-10-17.

Conditions:
ABCC2-related disorder. Also called: ABCC2-related condition.

Allele frequency attached by ClinVar (database versions not stated): TOPMed below 0.00001; gnomAD exomes below 0.00001.
gnomAD v4.1: 2 of 1,614,170 alleles (0.00012%); highest among the groups gnomAD compares: Middle Eastern, 0.033%; no homozygotes.

Submissions (2):

PreventionGenetics, part of Exact Sciences
Classification: Likely benign for ABCC2-related condition. Last evaluated: 2024-10-17. Review status: criteria provided, single submitter. Criteria: ACMG Guidelines, 2015. Collection method: clinical testing. Allele origin: germline.
Comment: This variant is classified as likely benign based on ACMG/AMP sequence variant interpretation guidelines (Richards et al. 2015 PMID: 25741868, with internal and published modifications).

Labcorp Genetics (formerly Invitae), Labcorp
Classification: Likely benign. Last evaluated: 2023-07-25. Review status: criteria provided, single submitter. Criteria: Invitae Variant Classification Sherloc (09022015). Collection method: clinical testing. Allele origin: germline.

NM_000392.5(ABCC2):c.3795C>T (p.Asn1265=)

Gene: ABCC2 (ATP binding cassette subfamily C member 2; plus strand). Cytogenetic location: 10q24.2.
Variant type: single nucleotide variant.
Coding change: c.3795C>T on transcript NM_000392.5 (MANE Select); coding-DNA position 3795, C replaced by T.
Protein change: p.Asn1265=; no amino-acid change (asparagine 1265 retained).
Molecular consequence: synonymous variant.
Genome position (GRCh38, 1-based): chr10:99,843,852, C>T. VCF-style: chr10-99843852-C-T. GRCh37 (hg19) VCF-style: chr10-101603609-C-T.
Other names: c.3795C>T (NM_000392.4).
Identifiers: ClinVar variation 1938770 (VCV001938770.6), dbSNP rs1270598845, ClinGen allele CA471132961.